The following is an entry in ClinVar:

ClinVar aggregate classification (germline): Uncertain significance (1 of 4 stars; one submission).

Conditions:
3-methylglutaconic aciduria, type VIIB (MGCA7B). Also called: CLPB Deficiency; 3-methylglutaconic aciduria with cataracts, neurologic involvement and neutropenia; 3-methylglutaconic aciduria, type VII, with cataracts, neurologic involvement and neutropenia. Identifiers: Orphanet 445038, MedGen C5676893, MONDO:0014561, OMIM 616271.

Allele frequency attached by ClinVar (database versions not stated): gnomAD exomes below 0.00001; TOPMed 0.00001.

Submission:

Labcorp Genetics (formerly Invitae), Labcorp
Classification: Uncertain significance for 3-methylglutaconic aciduria, type VIIB. Last evaluated: 2022-06-19. Review status: criteria provided, single submitter. Criteria: Invitae Variant Classification Sherloc (09022015). Collection method: clinical testing. Allele origin: germline.
Comment: This sequence change disrupts the translational stop signal of the CLPB mRNA. It is expected to extend the length of the CLPB protein by 23 additional amino acid residues. This variant is not present in population databases (gnomAD no frequency). In summary, the available evidence is currently insufficient to determine the role of this variant in disease. Therefore, it has been classified as a Variant of Uncertain Significance. This variant has not been reported in the literature in individuals affected with CLPB-related conditions. Experimental studies and prediction algorithms are not available or were not evaluated, and the functional significance of this variant is currently unknown.

NM_001258392.3(CLPB):c.2034del (p.Ter678TyrextTer?)

Gene: CLPB (ClpB family mitochondrial disaggregase; minus strand). Cytogenetic location: 11q13.4.
Variant type: Deletion.
Coding change: c.2034del on transcript NM_001258392.3 (MANE Select); coding-DNA position 2034, one base deleted (G; older notation c.2034delG).
Protein change: p.Ter678TyrextTer?.
Molecular consequence: frameshift variant, stop lost.
Genome position (GRCh38, 1-based): chr11:72,293,367, C deleted on the plus strand (G on the coding strand, the reverse complement: CLPB is on the minus strand). VCF-style (leftmost placement, unchanged base first): chr11-72293366-GC-G. GRCh37 (hg19) VCF-style: chr11-72004410-GC-G.
Other names: c.1947del, p.Ter649TyrextTer? (NM_001258393.3); c.1989del, p.Ter663TyrextTer? (NM_001258394.3); c.2124del, p.Ter708TyrextTer? (NM_030813.6).
Identifiers: ClinVar variation 2008505 (VCV002008505.4), dbSNP rs1474136193, ClinGen allele CA680035496.